The following is an entry in ClinVar:

NM_020921.4(NIN):c.4442T>C (p.Val1481Ala)

Gene: NIN (ninein; minus strand). Cytogenetic location: 14q22.1.
Variant type: single nucleotide variant.
Coding change: c.4442T>C on transcript NM_020921.4 (MANE Select); coding-DNA position 4442, T replaced by C.
Protein change: p.Val1481Ala; replaces valine 1481 with alanine.
Molecular consequence: missense variant. On other transcripts: intron variant (1).
Genome position (GRCh38, 1-based): chr14:50,756,588, A>G on the plus strand (T>C on the coding strand, the complement: NIN is on the minus strand). VCF-style: chr14-50756588-A-G. GRCh37 (hg19) VCF-style: chr14-51223306-A-G.
Other names: c.4442T>C, p.Val1481Ala (NM_182944.3, NM_182946.2); c.2400-1721T>C (NM_016350.5); short protein forms V1481A.
Identifiers: ClinVar variation 2183584 (VCV002183584.4), dbSNP rs770235566, ClinGen allele CA260827803.

ClinVar aggregate classification (germline): Uncertain significance (1 of 4 stars; one submission).

Allele frequency attached by ClinVar (database versions not stated): gnomAD exomes below 0.00001; gnomAD 0.00002; TOPMed 0.00003.
gnomAD v4.1: 9 of 1,605,576 alleles (0.00056%); highest among the groups gnomAD compares: African/African-American, 0.0067%; no homozygotes.

Submission:

Labcorp Genetics (formerly Invitae), Labcorp
Classification: Uncertain significance. Last evaluated: 2023-08-14. Review status: criteria provided, single submitter. Criteria: Invitae Variant Classification Sherloc (09022015). Collection method: clinical testing. Allele origin: germline.
Comment: This sequence change replaces valine, which is neutral and non-polar, with alanine, which is neutral and non-polar, at codon 1481 of the NIN protein (p.Val1481Ala). This variant is present in population databases (rs770235566, gnomAD 0.01%). This variant has not been reported in the literature in individuals affected with NIN-related conditions. ClinVar contains an entry for this variant (Variation ID: 2183584). Algorithms developed to predict the effect of missense changes on protein structure and function output the following: SIFT: "Not Available"; PolyPhen-2: "Benign"; Align-GVGD: "Not Available". The alanine amino acid residue is found in multiple mammalian species, which suggests that this missense change does not adversely affect protein function. In summary, the available evidence is currently insufficient to determine the role of this variant in disease. Therefore, it has been classified as a Variant of Uncertain Significance.